The following is an entry in ClinVar:

NR_144546.2:n.1012G>C

Variant type: single nucleotide variant.
Molecular consequence: non-coding transcript variant (on NR_144546.2).
Genome position: GRCh38 VCF-style: chr17-22204707-G-C. GRCh37 (hg19) VCF-style: chr17-21731313-G-C.
Identifiers: ClinVar variation 3234294 (VCV003234294.20), dbSNP rs761552039, ClinGen allele CA8451874.

ClinVar aggregate classification (germline): Likely benign (1 of 4 stars; one submission).

Submission:

CeGaT Center for Human Genetics Tuebingen
Classification: Likely benign. Last evaluated: 2024-04-01. Review status: criteria provided, single submitter. Criteria: CeGaT Center For Human Genetics Tuebingen Variant Classification Criteria Version 2. Collection method: clinical testing. Allele origin: germline. Affected: yes. Observed: 1 variant allele.
Comment: UBBP4: BP4, BP7